The following is an entry in ClinVar:

NM_004115.4(FGF14):c.56A>G (p.Gln19Arg)

Gene: FGF14 (fibroblast growth factor 14; minus strand). Cytogenetic location: 13q33.1.
Variant type: single nucleotide variant.
Coding change: c.56A>G on transcript NM_004115.4 (MANE Select); coding-DNA position 56, A replaced by G.
Protein change: p.Gln19Arg; replaces glutamine 19 with arginine.
Molecular consequence: missense variant. On other transcripts: intron variant (21).
Genome position (GRCh38, 1-based): chr13:101,916,590, T>C on the plus strand (A>G on the coding strand, the complement: FGF14 is on the minus strand). VCF-style: chr13-101916590-T-C. GRCh37 (hg19) VCF-style: chr13-102568940-T-C.
Other names: c.53-41294A>G (NM_001321947.2); c.92-41294A>G (NM_001379342.1, NM_001321948.2, NM_001321945.2); c.-59-41294A>G (NM_001321946.2, NM_001321949.1, NM_001321943.1 and 4 more transcripts); c.14-41294A>G (NM_001321938.2, NM_001321940.1, NM_001321933.1); c.209-47762A>G (NM_001321939.2); c.209-41294A>G (NM_175929.3, NM_001321937.2); c.8-41294A>G (NM_001321941.2); c.5-41294A>G (NM_001321944.1, NM_001321936.1, NM_001321932.1); short protein forms Q19R.
Identifiers: ClinVar variation 3609908 (VCV003609908.2).

ClinVar aggregate classification (germline): Uncertain significance (1 of 4 stars; one submission).

gnomAD v4.1: 6 of 1,596,094 alleles (0.00038%); highest among the groups gnomAD compares: Non-Finnish European, 0.00051%; no homozygotes.

Submission:

Labcorp Genetics (formerly Invitae), Labcorp
Classification: Uncertain significance. Last evaluated: 2024-03-03. Review status: criteria provided, single submitter. Criteria: Invitae Variant Classification Sherloc (09022015). Collection method: clinical testing. Allele origin: germline.
Comment: This sequence change replaces glutamine, which is neutral and polar, with arginine, which is basic and polar, at codon 19 of the FGF14 protein (p.Gln19Arg). This variant is present in population databases (no rsID available, gnomAD 0.001%). This variant has not been reported in the literature in individuals affected with FGF14-related conditions. An algorithm developed to predict the effect of missense changes on protein structure and function (PolyPhen-2) suggests that this variant is likely to be tolerated. In summary, the available evidence is currently insufficient to determine the role of this variant in disease. Therefore, it has been classified as a Variant of Uncertain Significance.